The following is an entry in ClinVar:

ClinVar aggregate classification (germline): Uncertain significance (1 of 4 stars; one submission).

gnomAD v4.1: 1 of 1,452,298 alleles (0.000069%); highest among the groups gnomAD compares: Non-Finnish European, 0.00009%; no homozygotes.

Submission:

CeGaT Center for Human Genetics Tuebingen
Classification: Uncertain significance. Last evaluated: 2024-02-01. Review status: criteria provided, single submitter. Criteria: CeGaT Center For Human Genetics Tuebingen Variant Classification Criteria Version 2. Collection method: clinical testing. Allele origin: germline. Affected: yes. Observed: 1 variant allele.
Comment: MAGEL2: PM2

NM_019066.5(MAGEL2):c.1249C>A (p.Arg417Ser)

Gene: MAGEL2 (MAGE family member L2; minus strand). Cytogenetic location: 15q11.2.
Variant type: single nucleotide variant.
Coding change: c.1249C>A on transcript NM_019066.5 (MANE Select); coding-DNA position 1249, C replaced by A.
Protein change: p.Arg417Ser; replaces arginine 417 with serine.
Molecular consequence: missense variant.
Genome position (GRCh38, 1-based): chr15:23,646,494, G>T on the plus strand (C>A on the coding strand, the complement: MAGEL2 is on the minus strand). VCF-style: chr15-23646494-G-T. GRCh37 (hg19) VCF-style: chr15-23891641-G-T.
Other names: short protein forms R417S.
Identifiers: ClinVar variation 3026461 (VCV003026461.22), dbSNP rs1018579547, ClinGen allele CA391334781.